The following is an entry in ClinVar:

ClinVar aggregate classification (germline): Pathogenic/Likely pathogenic. Review status: criteria provided, multiple submitters, no conflicts (2 of 4 stars). 2 submissions from 2 submitters: Pathogenic (1); Likely pathogenic (1). Last evaluated 2025-12-10.

Conditions:
Alport syndrome 3b, autosomal recessive. Identifiers: MedGen C5882699, MONDO:0957811, OMIM 620536.

Allele frequency attached by ClinVar (database versions not stated): gnomAD exomes below 0.00001.
gnomAD v4.1: 1 of 1,614,206 alleles (0.000062%); highest among the groups gnomAD compares: East Asian, 0.0022%; no homozygotes.

Submissions (2):

3billion
Classification: Likely pathogenic for Alport syndrome 3b, autosomal recessive. Last evaluated: 2025-12-10. Review status: criteria provided, single submitter. Criteria: ACMG Guidelines, 2015. Collection method: clinical testing. Allele origin: germline. Affected: yes.
Comment: The variant is observed at an extremely low frequency in the gnomAD v4.1.0 dataset (total allele frequency: <0.001%). Predicted Consequence/Location: Missense variant In silico tool predictions suggest damaging effect of the variant on gene or gene product [REVEL: 0.86 (>=0.6, sensitivity 0.68 and specificity 0.92); 3Cnet: 0.99 (> 0.75, sensitivity 0.96 and precision 0.92)]. The same nucleotide change resulting in the same amino acid change has been previously reported as pathogenic/likely pathogenic with strong evidence (ClinVar ID: VCV001008517 /PMID: VCV001008517 /3billion dataset). Therefore, this variant is classified as Likely pathogenic according to the recommendation of ACMG/AMP guideline.

Labcorp Genetics (formerly Invitae), Labcorp
Classification: Pathogenic. Last evaluated: 2024-07-12. Review status: criteria provided, single submitter. Criteria: Invitae Variant Classification Sherloc (09022015). Collection method: clinical testing. Allele origin: germline.
Comment: This sequence change replaces glycine, which is neutral and non-polar, with glutamic acid, which is acidic and polar, at codon 410 of the COL4A3 protein (p.Gly410Glu). This variant is present in population databases (no rsID available, gnomAD 0.006%). This missense change has been observed in individuals with clinical features of Alport syndrome (PMID: 33095447, 36292665; Invitae). ClinVar contains an entry for this variant (Variation ID: 1008517). Advanced modeling of protein sequence and biophysical properties (such as structural, functional, and spatial information, amino acid conservation, physicochemical variation, residue mobility, and thermodynamic stability) has been performed at Invitae for this missense variant, however the output from this modeling did not meet the statistical confidence thresholds required to predict the impact of this variant on COL4A3 protein function. For these reasons, this variant has been classified as Pathogenic.

Literature cited by the submitters: PubMed 33095447 (cited by Labcorp Genetics (formerly Invitae), Labcorp); PubMed 36292665 (cited by Labcorp Genetics (formerly Invitae), Labcorp).

NM_000091.5(COL4A3):c.1229G>A (p.Gly410Glu)

Genes: COL4A3 (collagen type IV alpha 3 chain; plus strand), MFF-DT (MFF divergent transcript; minus strand). Cytogenetic location: 2q36.3.
Variant type: single nucleotide variant.
Coding change: c.1229G>A on transcript NM_000091.5 (MANE Select); coding-DNA position 1229, G replaced by A.
Protein change: p.Gly410Glu; replaces glycine 410 with glutamic acid.
Molecular consequence: missense variant.
Genome position (GRCh38, 1-based): chr2:227,263,858, G>A. VCF-style: chr2-227263858-G-A. GRCh37 (hg19) VCF-style: chr2-228128574-G-A.
Other names: short protein forms G410E.
Identifiers: ClinVar variation 1008517 (VCV001008517.8), dbSNP rs1350342816, ClinGen allele CA350868834.